The following is an entry in ClinVar:

NC_000005.10:g.112707332G>C

Gene: APC (APC regulator of Wnt signaling pathway; plus strand). Cytogenetic location: 5q22.2.
Variant type: single nucleotide variant.
Genome position: GRCh38 VCF-style: chr5-112707332-G-C. GRCh37 (hg19) VCF-style: chr5-112043029-G-C.
Identifiers: ClinVar variation 649909 (VCV000649909.9), dbSNP rs1461935725, ClinGen allele CA802056771.
Genomic context (GRCh38, chr5:112,707,332, plus strand): 5'-AATAATGGACTAGTGTGTGCAGAAGGATCTATTAACTGGGCTGCAGCACAATTCAGAGAA[G>C]GCCAGTAAGTGCTGCAACTGAGACTCGGCTGCCTAGGCAGCAATGGCTCACGGGACAGAA-3'

ClinVar aggregate classification (germline): Uncertain significance. Review status: criteria provided, single submitter (1 of 4 stars). 2 submissions from 2 submitters: Uncertain significance (1). 1 of the submissions does not count toward it. Last evaluated 2025-11-05.

Conditions:
Familial adenomatous polyposis 1 (FAP1). Also called: FAMILIAL ADENOMATOUS POLYPOSIS 1, ATTENUATED; POLYPOSIS, ADENOMATOUS INTESTINAL. Identifiers: MedGen C2713442, MONDO:0021056, OMIM 175100. Disease mechanism: loss of function.
APC-related disorder. Also called: APC-related condition.

Allele frequency attached by ClinVar (database versions not stated): gnomAD 0.00001; TOPMed 0.00002.

Submissions (2):

Labcorp Genetics (formerly Invitae), Labcorp
Classification: Uncertain significance for Familial adenomatous polyposis 1. Last evaluated: 2025-11-05. Review status: criteria provided, single submitter. Criteria: Invitae Variant Classification Sherloc (09022015). Collection method: clinical testing. Allele origin: germline.
Comment: This variant occurs in a non-coding region of the APC gene. It does not change the encoded amino acid sequence of the APC protein. This variant is not present in population databases (gnomAD no frequency). This variant has not been reported in the literature in individuals affected with APC-related conditions. ClinVar contains an entry for this variant (Variation ID: 649909). Experimental studies and prediction algorithms are not available or were not evaluated, and the functional significance of this variant is currently unknown. In summary, the available evidence is currently insufficient to determine the role of this variant in disease. Therefore, it has been classified as a Variant of Uncertain Significance.

PreventionGenetics, part of Exact Sciences
Classification: Likely benign for APC-related condition. Last evaluated: 2019-07-09. Review status: no assertion criteria provided. Collection method: clinical testing. Allele origin: germline. Not counted in ClinVar's aggregate classification.
Comment: This variant is classified as likely benign based on ACMG/AMP sequence variant interpretation guidelines (Richards et al. 2015 PMID: 25741868, with internal and published modifications).